The following is an entry in ClinVar:

ClinVar aggregate classification (germline): Conflicting classifications of pathogenicity. Review status: criteria provided, conflicting classifications (1 of 4 stars). 2 submissions from 2 submitters: Uncertain significance (1); Likely benign (1). Last evaluated 2024-08-14.

Conditions:
Emery-Dreifuss muscular dystrophy (EDMD). Also called: Scapuloperoneal syndrome, X-linked (formerly); Humeroperoneal neuromuscular disease, (formerly). Identifiers: Orphanet 261, MedGen C0410189, MONDO:0016830.

Allele frequency attached by ClinVar (database versions not stated): gnomAD 0.00001; gnomAD exomes 0.00001; TOPMed 0.00001.
gnomAD v4.1: 15 of 1,614,058 alleles (0.00093%); highest among the groups gnomAD compares: Non-Finnish European, 0.0013%; no homozygotes.

Submissions (2):

Ambry Genetics
Classification: Likely benign. Last evaluated: 2024-08-14. Review status: criteria provided, single submitter. Criteria: Ambry Variant Classification Scheme 2023. Collection method: clinical testing. Allele origin: germline.

Labcorp Genetics (formerly Invitae), Labcorp
Classification: Uncertain significance for Emery-Dreifuss muscular dystrophy. Last evaluated: 2022-10-13. Review status: criteria provided, single submitter. Criteria: Invitae Variant Classification Sherloc (09022015). Collection method: clinical testing. Allele origin: germline.
Comment: Algorithms developed to predict the effect of missense changes on protein structure and function output the following: SIFT: "Tolerated"; PolyPhen-2: "Benign"; Align-GVGD: "Class C0". The serine amino acid residue is found in multiple mammalian species, which suggests that this missense change does not adversely affect protein function. In summary, the available evidence is currently insufficient to determine the role of this variant in disease. Therefore, it has been classified as a Variant of Uncertain Significance. This variant has not been reported in the literature in individuals affected with SUN1-related conditions. The frequency data for this variant in the population databases is considered unreliable, as metrics indicate poor data quality at this position in the gnomAD database. This sequence change replaces glycine, which is neutral and non-polar, with serine, which is neutral and polar, at codon 119 of the SUN1 protein (p.Gly119Ser).

NM_001130965.3(SUN1):c.355G>A (p.Gly119Ser)

Gene: SUN1 (Sad1 and UNC84 domain containing 1; plus strand). Cytogenetic location: 7p22.3.
Variant type: single nucleotide variant.
Coding change: c.355G>A on transcript NM_001130965.3 (MANE Select); coding-DNA position 355, G replaced by A.
Protein change: p.Gly119Ser; replaces glycine 119 with serine.
Molecular consequence: missense variant. On other transcripts: 5 prime UTR variant (4), non-coding transcript variant (3).
Genome position (GRCh38, 1-based): chr7:842,034, G>A. VCF-style: chr7-842034-G-A. GRCh37 (hg19) VCF-style: chr7-881671-G-A.
Other names: c.355G>A, p.Gly119Ser (NM_001171944.2, NM_001171946.2, NM_001367633.1 and 34 more transcripts); c.418G>A, p.Gly140Ser (NM_001171945.2); c.-103G>A (NM_001367635.1); c.205G>A, p.Gly69Ser (NM_001367636.1, NM_001367637.1, NM_001367644.1 and 25 more transcripts); c.-213G>A (NM_001367639.1, NM_001367708.1); c.574G>A, p.Gly192Ser (NM_001367651.1); c.-407G>A (NM_001367658.1); c.166G>A, p.Gly56Ser (NM_001367695.1); and 1 more; short protein forms G140S, G119S, G192S, G69S, G56S.
Identifiers: ClinVar variation 2160188 (VCV002160188.5), dbSNP rs1296227373, ClinGen allele CA366547005.